The following is an entry in ClinVar:

NM_000383.4(AIRE):c.1609G>C (p.Ala537Pro)

Gene: AIRE (autoimmune regulator; plus strand). Cytogenetic location: 21q22.3.
Variant type: single nucleotide variant.
Coding change: c.1609G>C on transcript NM_000383.4 (MANE Select); coding-DNA position 1609, G replaced by C.
Protein change: p.Ala537Pro; replaces alanine 537 with proline.
Molecular consequence: missense variant.
Genome position (GRCh38, 1-based): chr21:44,297,698, G>C. VCF-style: chr21-44297698-G-C. GRCh37 (hg19) VCF-style: chr21-45717581-G-C.
Other names: short protein forms A537P.
Identifiers: ClinVar variation 1716876 (VCV001716876.5), dbSNP rs2517890279, ClinGen allele CA410426295.

ClinVar aggregate classification (germline): Uncertain significance (1 of 4 stars; one submission).

Conditions:
Polyglandular autoimmune syndrome, type 1 (APS1). Also called: AUTOIMMUNE POLYENDOCRINE SYNDROME, TYPE I, WITH OR WITHOUT REVERSIBLE METAPHYSEAL DYSPLASIA; APS I; Autoimmune polyendocrine syndrome type 1; Autoimmune polyendocrinopathy syndrome , type I, with or without reversible metaphyseal dysplasia; HYPOADRENOCORTICISM WITH HYPOPARATHYROIDISM AND SUPERFICIAL MONILIASIS; PGA I. Identifiers: Orphanet 3453, MedGen C0085859, MONDO:0009411, OMIM 240300.

Submission:

Labcorp Genetics (formerly Invitae), Labcorp
Classification: Uncertain significance for Polyglandular autoimmune syndrome, type 1. Last evaluated: 2022-09-02. Review status: criteria provided, single submitter. Criteria: Invitae Variant Classification Sherloc (09022015). Collection method: clinical testing. Allele origin: germline.
Comment: In summary, the available evidence is currently insufficient to determine the role of this variant in disease. Therefore, it has been classified as a Variant of Uncertain Significance. Algorithms developed to predict the effect of missense changes on protein structure and function are either unavailable or do not agree on the potential impact of this missense change (SIFT: "Deleterious"; PolyPhen-2: "Possibly Damaging"; Align-GVGD: "Class C0"). This variant has not been reported in the literature in individuals affected with AIRE-related conditions. This variant is not present in population databases (gnomAD no frequency). This sequence change replaces alanine, which is neutral and non-polar, with proline, which is neutral and non-polar, at codon 537 of the AIRE protein (p.Ala537Pro).